The following is an entry in ClinVar:

NM_177438.3(DICER1):c.5288C>G (p.Pro1763Arg)

Gene: DICER1 (dicer 1, ribonuclease III; minus strand). Cytogenetic location: 14q32.13.
Variant type: single nucleotide variant.
Coding change: c.5288C>G on transcript NM_177438.3 (MANE Select); coding-DNA position 5288, C replaced by G.
Protein change: p.Pro1763Arg; replaces proline 1763 with arginine.
Molecular consequence: missense variant. On other transcripts: non-coding transcript variant (6).
Genome position (GRCh38, 1-based): chr14:95,093,964, G>C on the plus strand (C>G on the coding strand, the complement: DICER1 is on the minus strand). VCF-style: chr14-95093964-G-C. GRCh37 (hg19) VCF-style: chr14-95560301-G-C.
Other names: c.5288C>G, p.Pro1763Arg (NM_001195573.1, NM_001271282.3, NM_001291628.2 and 8 more transcripts); c.5006C>G, p.Pro1669Arg (NM_001395686.1); c.4883C>G, p.Pro1628Arg (NM_001395687.1, NM_001395688.1, NM_001395689.1 and 1 more transcripts); c.4721C>G, p.Pro1574Arg (NM_001395691.1); c.3605C>G, p.Pro1202Arg (NM_001395697.1); short protein forms P1202R, P1628R, P1763R, P1574R, P1669R.
Identifiers: ClinVar variation 3647597 (VCV003647597.2).

ClinVar aggregate classification (germline): Uncertain significance (1 of 4 stars; one submission).

Conditions:
DICER1-related tumor predisposition. Also called: DICER1 syndrome; DICER1-related pleuropulmonary blastoma cancer predisposition syndrome. Identifiers: Orphanet 284343, MedGen C3839822, MONDO:0100216.

Submission:

Labcorp Genetics (formerly Invitae), Labcorp
Classification: Uncertain significance for DICER1-related tumor predisposition. Last evaluated: 2024-04-06. Review status: criteria provided, single submitter. Criteria: Invitae Variant Classification Sherloc (09022015). Collection method: clinical testing. Allele origin: germline.
Comment: This sequence change replaces proline, which is neutral and non-polar, with arginine, which is basic and polar, at codon 1763 of the DICER1 protein (p.Pro1763Arg). This variant is not present in population databases (gnomAD no frequency). This variant has not been reported in the literature in individuals affected with DICER1-related conditions. Advanced modeling of protein sequence and biophysical properties (such as structural, functional, and spatial information, amino acid conservation, physicochemical variation, residue mobility, and thermodynamic stability) performed at Invitae indicates that this missense variant is expected to disrupt DICER1 protein function with a positive predictive value of 80%. In summary, the available evidence is currently insufficient to determine the role of this variant in disease. Therefore, it has been classified as a Variant of Uncertain Significance.